The following is an entry in ClinVar:

NM_054012.4(ASS1):c.363+16A>G

Gene: ASS1 (argininosuccinate synthase 1; plus strand). Cytogenetic location: 9q34.11.
Variant type: single nucleotide variant.
Coding change: c.363+16A>G on transcript NM_054012.4 (MANE Select); 16 bases into the intron after coding-DNA position 363, A replaced by G.
Molecular consequence: intron variant.
Genome position (GRCh38, 1-based): chr9:130,458,605, A>G. VCF-style: chr9-130458605-A-G. GRCh37 (hg19) VCF-style: chr9-133333992-A-G.
Other names: c.363+16A>G (NM_000050.4).
Identifiers: ClinVar variation 254744 (VCV000254744.12), dbSNP rs191432165, ClinGen allele CA5283239.

ClinVar aggregate classification (germline): Benign/Likely benign. Review status: criteria provided, multiple submitters, no conflicts (2 of 4 stars). 4 submissions from 4 submitters: Benign (2); Likely benign (1). 1 of the submissions does not count toward it. Last evaluated 2026-01-28.

Conditions:
Citrullinemia. Identifiers: Orphanet 187, MedGen C0175683, MONDO:0015991.

Allele frequency attached by ClinVar (database versions not stated): gnomAD exomes 0.00300 and 0.00064; ExAC 0.00324; 1000 Genomes Project 30x 0.00921; 1000 Genomes Project 0.01038; gnomAD 0.00099 and 0.00139; TOPMed 0.00128.
gnomAD v4.1: 1,278 of 1,610,084 alleles (0.079%); highest among the groups gnomAD compares: East Asian, 2.1%; 23 homozygotes.

Submissions (4):

Labcorp Genetics (formerly Invitae), Labcorp
Classification: Benign for Citrullinemia. Last evaluated: 2026-01-28. Review status: criteria provided, single submitter. Criteria: Invitae Variant Classification Sherloc (09022015). Collection method: clinical testing. Allele origin: germline.

GeneDx
Classification: Benign. Last evaluated: 2016-10-12. Review status: criteria provided, single submitter. Criteria: GeneDx Variant Classification (06012015). Collection method: clinical testing. Allele origin: germline. Affected: yes.
Comment: This variant is considered likely benign or benign based on one or more of the following criteria: it is a conservative change, it occurs at a poorly conserved position in the protein, it is predicted to be benign by multiple in silico algorithms, and/or has population frequency not consistent with disease.

PreventionGenetics, part of Exact Sciences
Classification: Likely benign. Review status: criteria provided, single submitter. Criteria: ACMG Guidelines, 2015. Collection method: clinical testing. Allele origin: germline.

Natera, Inc.
Classification: Benign for Citrullinemia. Last evaluated: 2020-09-16. Review status: no assertion criteria provided. Collection method: clinical testing. Allele origin: germline. Not counted in ClinVar's aggregate classification.